The following is an entry in ClinVar:

ClinVar aggregate classification (germline): Uncertain significance. Review status: criteria provided, multiple submitters, no conflicts (2 of 4 stars). 2 submissions from 2 submitters: Uncertain significance (2). Last evaluated 2024-10-09.

Conditions:
RNU5B-1-associated neurodevelopmental disorder.

Submissions (2):

Institute of Human Genetics, University of Leipzig Medical Center
Classification: Uncertain significance for RNU5B-1-associated neurodevelopmental disorder. Last evaluated: 2024-10-09. Review status: criteria provided, single submitter. Criteria: ACMG Guidelines, 2015. Collection method: literature only. Allele origin: de novo. Inheritance: Autosomal dominant inheritance. Affected: yes. Observed: 1 variant allele.
Comment: This variant was identified as de novo

Institute for Human Genetics, University Hospital Essen
Classification: Uncertain significance. Last evaluated: 2005-03-05. Review status: criteria provided, single submitter. Criteria: ACMG Guidelines, 2015. Collection method: clinical testing. Allele origin: de novo. Affected: yes.
Comment: PM2_supp, PS2

Literature cited by the submitters: DOI 10.1101/2024.10.07.24314689 (cited by Institute of Human Genetics, University of Leipzig Medical Center).

NR_002757.3(RNU5B-1):n.74T>C

Genes: RNU5B-1 (RNA, U5B small nuclear 1; plus strand), LOC130057317 (ATAC-STARR-seq lymphoblastoid silent region 6555; plus strand). Cytogenetic location: 15q22.31.
Variant type: single nucleotide variant.
Molecular consequence: non-coding transcript variant (on NR_002757.3).
Genome position: GRCh38 VCF-style: chr15-65304750-T-C. GRCh37 (hg19) VCF-style: chr15-65597088-T-C.
Identifiers: ClinVar variation 3362395 (VCV003362395.2).